The following is an entry in ClinVar:

NM_000038.6(APC):c.4357C>A (p.Pro1453Thr)

Gene: APC (APC regulator of Wnt signaling pathway; plus strand). Cytogenetic location: 5q22.2.
Variant type: single nucleotide variant.
Coding change: c.4357C>A on transcript NM_000038.6 (MANE Select); coding-DNA position 4357, C replaced by A.
Protein change: p.Pro1453Thr; replaces proline 1453 with threonine.
Molecular consequence: missense variant.
Genome position (GRCh38, 1-based): chr5:112,839,951, C>A. VCF-style: chr5-112839951-C-A. GRCh37 (hg19) VCF-style: chr5-112175648-C-A.
Other names: c.4357C>A, p.Pro1453Thr (NM_001127510.3, NM_001354895.2); c.4303C>A, p.Pro1435Thr (NM_001127511.3); c.4411C>A, p.Pro1471Thr (NM_001354896.2); c.4387C>A, p.Pro1463Thr (NM_001354897.2); c.4282C>A, p.Pro1428Thr (NM_001354898.2); c.4273C>A, p.Pro1425Thr (NM_001354899.2); c.4234C>A, p.Pro1412Thr (NM_001354900.2); c.4180C>A, p.Pro1394Thr (NM_001354901.2); and 6 more; short protein forms P1170T, P1293T, P1327T, P1352T, P1362T, P1394T, P1412T, P1425T.
Identifiers: ClinVar variation 1017113 (VCV001017113.11), dbSNP rs1765660801, ClinGen allele CA16030873.

ClinVar aggregate classification (germline): Uncertain significance. Review status: criteria provided, multiple submitters, no conflicts (2 of 4 stars). 2 submissions from 2 submitters: Uncertain significance (2). Last evaluated 2024-09-03.

Conditions:
Familial adenomatous polyposis 1 (FAP1). Also called: POLYPOSIS, ADENOMATOUS INTESTINAL; FAMILIAL ADENOMATOUS POLYPOSIS 1, ATTENUATED. Identifiers: MedGen C2713442, MONDO:0021056, OMIM 175100. Disease mechanism: loss of function.

Allele frequency attached by ClinVar (database versions not stated): gnomAD exomes below 0.00001.
gnomAD v4.1: 1 of 1,614,024 alleles (0.000062%); highest among the groups gnomAD compares: African/African-American, 0.0013%; no homozygotes.

Submissions (2):

GeneDx
Classification: Uncertain significance. Last evaluated: 2024-09-03. Review status: criteria provided, single submitter. Criteria: GeneDx Variant Classification Process June 2021. Collection method: clinical testing. Allele origin: germline. Affected: yes.
Comment: Not observed at significant frequency in large population cohorts (gnomAD); In silico analysis indicates that this missense variant does not alter protein structure/function; Has not been previously published as pathogenic or benign to our knowledge; This variant is associated with the following publications: (PMID: 18199528)

Labcorp Genetics (formerly Invitae), Labcorp
Classification: Uncertain significance for Familial adenomatous polyposis 1. Last evaluated: 2020-09-01. Review status: criteria provided, single submitter. Criteria: Invitae Variant Classification Sherloc (09022015). Collection method: clinical testing. Allele origin: germline.
Comment: This sequence change replaces proline with threonine at codon 1453 of the APC protein (p.Pro1453Thr). The proline residue is moderately conserved and there is a small physicochemical difference between proline and threonine. This variant is not present in population databases (ExAC no frequency). This variant has not been reported in the literature in individuals with APC-related conditions. Algorithms developed to predict the effect of missense changes on protein structure and function output the following: SIFT: "Tolerated"; PolyPhen-2: "Benign"; Align-GVGD: "Class C0". The threonine amino acid residue is found in multiple mammalian species, suggesting that this missense change does not adversely affect protein function. These predictions have not been confirmed by published functional studies and their clinical significance is uncertain. Algorithms developed to predict the effect of sequence changes on RNA splicing suggest that this variant may create or strengthen a splice site, but this prediction has not been confirmed by published transcriptional studies. In summary, the available evidence is currently insufficient to determine the role of this variant in disease. Therefore, it has been classified as a Variant of Uncertain Significance.